The following is an entry in ClinVar:

NM_004260.4(RECQL4):c.1916G>C (p.Gly639Ala)

Gene: RECQL4 (RecQ like helicase 4; minus strand). Cytogenetic location: 8q24.3.
Variant type: single nucleotide variant.
Coding change: c.1916G>C on transcript NM_004260.4 (MANE Select); coding-DNA position 1916, G replaced by C.
Protein change: p.Gly639Ala; replaces glycine 639 with alanine.
Molecular consequence: missense variant. On other transcripts: non-coding transcript variant (3).
Genome position (GRCh38, 1-based): chr8:144,514,070, C>G on the plus strand (G>C on the coding strand, the complement: RECQL4 is on the minus strand). VCF-style: chr8-144514070-C-G. GRCh37 (hg19) VCF-style: chr8-145739454-C-G.
Other names: c.1820G>C, p.Gly607Ala (NM_001413017.1, NM_001413020.1); c.1916G>C, p.Gly639Ala (NM_001413018.1, NM_001413019.1, NM_001413036.1); c.845G>C, p.Gly282Ala (NM_001413021.1, NM_001413022.1, NM_001413023.1 and 6 more transcripts); c.1787G>C, p.Gly596Ala (NM_001413025.1); c.779G>C, p.Gly260Ala (NM_001413027.1, NM_001413030.1, NM_001413032.1 and 1 more transcripts); c.1565G>C, p.Gly522Ala (NM_001413029.1); c.647G>C, p.Gly216Ala (NM_001413031.1); c.1784G>C, p.Gly595Ala (NM_001413033.1); and 4 more; short protein forms G150A, G595A, G596A, G639A, G216A, G238A, G282A, G629A.
Identifiers: ClinVar variation 3944275 (VCV003944275.1).

ClinVar aggregate classification (germline): Uncertain significance (1 of 4 stars; one submission).

Conditions:
Inborn genetic diseases. Identifiers: MedGen C0950123, MeSH D030342.

gnomAD v4.1: 2 of 1,591,026 alleles (0.00013%); highest among the groups gnomAD compares: Non-Finnish European, 0.00017%; no homozygotes.

Submission:

Ambry Genetics
Classification: Uncertain significance for Inborn genetic diseases. Last evaluated: 2025-04-11. Review status: criteria provided, single submitter. Criteria: Ambry Variant Classification Scheme 2023. Collection method: clinical testing. Allele origin: germline.
Comment: The p.G639A variant (also known as c.1916G>C), located in coding exon 12 of the RECQL4 gene, results from a G to C substitution at nucleotide position 1916. The glycine at codon 639 is replaced by alanine, an amino acid with similar properties. This amino acid position is conserved. In addition, the in silico prediction for this alteration is inconclusive. Based on the available evidence, the clinical significance of this variant remains unclear.